The following is an entry in ClinVar:

NM_144997.7(FLCN):c.733A>G (p.Thr245Ala)

Gene: FLCN (folliculin; minus strand). Cytogenetic location: 17p11.2.
Variant type: single nucleotide variant.
Coding change: c.733A>G on transcript NM_144997.7 (MANE Select); coding-DNA position 733, A replaced by G.
Protein change: p.Thr245Ala; replaces threonine 245 with alanine.
Molecular consequence: missense variant.
Genome position (GRCh38, 1-based): chr17:17,222,547, T>C on the plus strand (A>G on the coding strand, the complement: FLCN is on the minus strand). VCF-style: chr17-17222547-T-C. GRCh37 (hg19) VCF-style: chr17-17125861-T-C.
Other names: c.733A>G (LRG_325t1); c.787A>G, p.Thr263Ala (NM_001353229.2); c.733A>G, p.Thr245Ala (NM_001353230.2, NM_001353231.2, NM_144606.7); short protein forms T245A, T263A.
Identifiers: ClinVar variation 460628 (VCV000460628.6), dbSNP rs1555609813, ClinGen allele CA398533914.

ClinVar aggregate classification (germline): Uncertain significance. Review status: criteria provided, multiple submitters, no conflicts (2 of 4 stars). 2 submissions from 2 submitters: Uncertain significance (2). Last evaluated 2026-03-12.

Conditions:
Birt-Hogg-Dube syndrome. Also called: Birt Hogg Dubé syndrome. Identifiers: Orphanet 122, MedGen C0346010, MONDO:0800444.
Hereditary cancer-predisposing syndrome. Also called: Neoplastic Syndromes, Hereditary; Tumor predisposition; Hereditary neoplastic syndrome; Hereditary Cancer Syndrome. Identifiers: Orphanet 140162, MedGen C0027672, MeSH D009386, MONDO:0015356.

Allele frequency attached by ClinVar (database versions not stated): gnomAD exomes below 0.00001.
gnomAD v4.1: 1 of 1,614,208 alleles (0.000062%); highest among the groups gnomAD compares: African/African-American, 0.0013%; no homozygotes.

Submissions (2):

Ambry Genetics
Classification: Uncertain significance for Hereditary cancer-predisposing syndrome. Last evaluated: 2026-03-12. Review status: criteria provided, single submitter. Criteria: Ambry Variant Classification Scheme 2023. Collection method: clinical testing. Allele origin: germline.
Comment: The p.T245A variant (also known as c.733A>G), located in coding exon 4 of the FLCN gene, results from an A to G substitution at nucleotide position 733. The threonine at codon 245 is replaced by alanine, an amino acid with similar properties. This amino acid position is conserved. In addition, this alteration is predicted to be deleterious by in silico analysis. Based on the available evidence, the clinical significance of this variant remains unclear.

Labcorp Genetics (formerly Invitae), Labcorp
Classification: Uncertain significance for Birt-Hogg-Dube syndrome. Last evaluated: 2021-11-25. Review status: criteria provided, single submitter. Criteria: Invitae Variant Classification Sherloc (09022015). Collection method: clinical testing. Allele origin: germline.
Comment: This sequence change replaces threonine, which is neutral and polar, with alanine, which is neutral and non-polar, at codon 245 of the FLCN protein (p.Thr245Ala). This variant is not present in population databases (gnomAD no frequency). In summary, the available evidence is currently insufficient to determine the role of this variant in disease. Therefore, it has been classified as a Variant of Uncertain Significance. Algorithms developed to predict the effect of missense changes on protein structure and function (SIFT, PolyPhen-2, Align-GVGD) all suggest that this variant is likely to be disruptive. ClinVar contains an entry for this variant (Variation ID: 460628). This variant has not been reported in the literature in individuals affected with FLCN-related conditions.